The following is an entry in ClinVar:

NM_001164496.2(CFAP44):c.2813_2816del (p.Met938fs)

Genes: CFAP44 (cilia and flagella associated protein 44; minus strand), SPICE1-CFAP44 (SPICE1-CFAP44 readthrough (NMD candidate); minus strand). Cytogenetic location: 3q13.2.
Variant type: Deletion.
Coding change: c.2813_2816del on transcript NM_001164496.2 (MANE Select); coding-DNA positions 2813 to 2816, 4 bases deleted (TGAA; older notation c.2813_2816delTGAA).
Protein change: p.Met938fs; shifts the reading frame from methionine 938.
Molecular consequence: frameshift variant. On other transcripts: non-coding transcript variant (5).
Genome position (GRCh38, 1-based): chr3:113,363,263-113,363,266, TTCA deleted on the plus strand (TGAA on the coding strand, the reverse complement: CFAP44 is on the minus strand); deleting any 4 consecutive bases within chr3:113,363,263-113,363,268 gives the same sequence; the c. name uses the placement nearest the transcript's 3' end. VCF-style (leftmost placement, unchanged base first): chr3-113363262-TTTCA-T. GRCh37 (hg19) VCF-style: chr3-113082109-TTTCA-T.
Other names: c.2813_2816del, p.Met938fs (NM_018338.3); c.2813_2816delTGAA (NM_001164496.2); short protein forms M938fs.
Identifiers: ClinVar variation 4845865 (VCV004845865.1).

ClinVar aggregate classification (germline): Likely pathogenic (1 of 4 stars; one submission).

Conditions:
Spermatogenic failure 20. Identifiers: MedGen C4539824, MONDO:0054724, OMIM 617593.

Submission:

First Genomix Gene Laboratory, Genetic Diagnostics Department
Classification: Likely pathogenic for Spermatogenic failure 20. Last evaluated: 2025-03-17. Review status: criteria provided, single submitter. Criteria: ACMG Guidelines, 2015. Collection method: clinical testing. Allele origin: germline. Inheritance: Autosomal recessive inheritance. Affected: no. Observed: 1 variant allele.